The following is an entry in ClinVar:

ClinVar aggregate classification (germline): Uncertain significance. Review status: criteria provided, multiple submitters, no conflicts (2 of 4 stars). 2 submissions from 2 submitters: Uncertain significance (2). Last evaluated 2022-02-12.

Conditions:
Hereditary cancer-predisposing syndrome. Also called: Hereditary neoplastic syndrome; Neoplastic Syndromes, Hereditary; Hereditary Cancer Syndrome; Tumor predisposition. Identifiers: Orphanet 140162, MedGen C0027672, MeSH D009386, MONDO:0015356.
Cardiovascular phenotype. Identifiers: MedGen CN230736.
Neurofibromatosis, type 1 (NF1). Also called: Peripheral type neurofibromatosis; Neurofibromatosis, type I; VON RECKLINGHAUSEN DISEASE; NEUROFIBROMATOSIS, TYPE I, SOMATIC. Identifiers: Orphanet 636, MedGen C0027831, MONDO:0018975, OMIM 162200. Disease mechanism: loss of function.

Submissions (2):

Ambry Genetics
Classification: Uncertain significance for Cardiovascular phenotype; Hereditary cancer-predisposing syndrome. Last evaluated: 2022-02-12. Review status: criteria provided, single submitter. Criteria: Ambry Variant Classification Scheme 2023. Collection method: clinical testing. Allele origin: germline.
Comment: The p.K1823N variant (also known as c.5469G>T), located in coding exon 37 of the NF1 gene, results from a G to T substitution at nucleotide position 5469. The lysine at codon 1823 is replaced by asparagine, an amino acid with similar properties. This amino acid position is conserved. In addition, the in silico prediction for this alteration is inconclusive. Since supporting evidence is limited at this time, the clinical significance of this alteration remains unclear.

Labcorp Genetics (formerly Invitae), Labcorp
Classification: Uncertain significance for Neurofibromatosis, type 1. Last evaluated: 2021-08-09. Review status: criteria provided, single submitter. Criteria: Invitae Variant Classification Sherloc (09022015). Collection method: clinical testing. Allele origin: germline.
Comment: This sequence change replaces lysine with asparagine at codon 1823 of the NF1 protein (p.Lys1823Asn). The lysine residue is moderately conserved and there is a moderate physicochemical difference between lysine and asparagine. This variant is not present in population databases (ExAC no frequency). This variant has not been reported in the literature in individuals affected with NF1-related conditions. Advanced modeling of protein sequence and biophysical properties (such as structural, functional, and spatial information, amino acid conservation, physicochemical variation, residue mobility, and thermodynamic stability) performed at Invitae indicates that this missense variant is expected to disrupt NF1 protein function. In summary, the available evidence is currently insufficient to determine the role of this variant in disease. Therefore, it has been classified as a Variant of Uncertain Significance.

NM_001042492.3(NF1):c.5532G>T (p.Lys1844Asn)

Gene: NF1 (neurofibromin 1; plus strand). Cytogenetic location: 17q11.2.
Variant type: single nucleotide variant.
Coding change: c.5532G>T on transcript NM_001042492.3 (MANE Select); coding-DNA position 5532, G replaced by T.
Protein change: p.Lys1844Asn; replaces lysine 1844 with asparagine.
Molecular consequence: missense variant.
Genome position (GRCh38, 1-based): chr17:31,327,762, G>T. VCF-style: chr17-31327762-G-T. GRCh37 (hg19) VCF-style: chr17-29654780-G-T.
Other names: c.5469G>T, p.Lys1823Asn (NM_000267.4); short protein forms K1823N, K1844N.
Identifiers: ClinVar variation 1410348 (VCV001410348.8), dbSNP rs2151541680, ClinGen allele CA399009782.